The following is an entry in ClinVar:

ClinVar aggregate classification (germline): Uncertain significance (1 of 4 stars; one submission).

Conditions:
Hypotonia, infantile, with psychomotor retardation and characteristic facies 1 (INNFD). Identifiers: Orphanet 371364, Orphanet 700336, MedGen C3809454, MONDO:0024567, OMIM 615419.

Submission:

Centre for Mendelian Genomics, University Medical Centre Ljubljana
Classification: Uncertain significance for Hypotonia, infantile, with psychomotor retardation and characteristic facies 1. Last evaluated: 2019-09-06. Review status: criteria provided, single submitter. Criteria: ACMG Guidelines, 2015. Collection method: clinical testing. Allele origin: unknown. Affected: yes.
Comment: This variant was classified as: Uncertain significance. The available evidence on this variant's pathogenicity is insufficient or conflicting. The following ACMG criteria were applied in classifying this variant: PM2,PP3.

NM_052867.4(NALCN):c.2551C>G (p.Arg851Gly)

Gene: NALCN (sodium leak channel, non-selective; minus strand). Cytogenetic location: 13q33.1.
Variant type: single nucleotide variant.
Coding change: c.2551C>G on transcript NM_052867.4 (MANE Select); coding-DNA position 2551, C replaced by G.
Protein change: p.Arg851Gly; replaces arginine 851 with glycine.
Molecular consequence: missense variant.
Genome position (GRCh38, 1-based): chr13:101,107,515, G>C on the plus strand (C>G on the coding strand, the complement: NALCN is on the minus strand). VCF-style: chr13-101107515-G-C. GRCh37 (hg19) VCF-style: chr13-101759866-G-C.
Other names: c.2638C>G, p.Arg880Gly (NM_001350748.2); c.2551C>G, p.Arg851Gly (NM_001350749.2); c.2464C>G, p.Arg822Gly (NM_001350750.2, NM_001350751.2); short protein forms R822G, R851G, R880G.
Identifiers: ClinVar variation 930541 (VCV000930541.3), dbSNP rs1464580245, ClinGen allele CA388670256.